The following is an entry in ClinVar:

NM_020361.5(CPA6):c.587A>G (p.His196Arg)

Gene: CPA6 (carboxypeptidase A6; minus strand). Cytogenetic location: 8q13.2.
Variant type: single nucleotide variant.
Coding change: c.587A>G on transcript NM_020361.5 (MANE Select); coding-DNA position 587, A replaced by G.
Protein change: p.His196Arg; replaces histidine 196 with arginine.
Molecular consequence: missense variant.
Genome position (GRCh38, 1-based): chr8:67,506,836, T>C on the plus strand (A>G on the coding strand, the complement: CPA6 is on the minus strand). VCF-style: chr8-67506836-T-C. GRCh37 (hg19) VCF-style: chr8-68419071-T-C.
Other names: short protein forms H196R.
Identifiers: ClinVar variation 393468 (VCV000393468.1), dbSNP rs376266840, ClinGen allele CA4772926.

ClinVar aggregate classification (germline): no classifications from unflagged records (0 of 4 stars; one submission).

Conditions:
Familial temporal lobe epilepsy 5. Identifiers: MedGen C3280730, MONDO:0013741, OMIM 614417.

Allele frequency attached by ClinVar (database versions not stated): TOPMed 0.00001; gnomAD exomes 0.00002 and 0.00004; gnomAD 0.00003 and 0.00004; ESP Exome Variant Server 0.00008; ExAC 0.00005.
gnomAD v4.1: 59 of 1,613,572 alleles (0.0037%); highest among the groups gnomAD compares: Non-Finnish European, 0.0047%; no homozygotes.

Submission:

OMIM
Classification: Pathogenic for EPILEPSY, FAMILIAL TEMPORAL LOBE, 5. Last evaluated: 2012-12-14. Review status: flagged submission. Collection method: literature only. Allele origin: germline.
ClinVar note: Notes: This gene-disease relationship has been disputed by a ClinGen Expert Panel.
ClinVar note: Reason: Claim with insufficient supporting evidence

Literature cited by the submitters: PubMed 23105115.